The following is an entry in ClinVar:

NM_004629.2(FANCG):c.1171_1174del (p.Pro391fs)

Gene: FANCG (FA complementation group G; minus strand). Cytogenetic location: 9p13.3.
Variant type: Deletion.
Coding change: c.1171_1174del on transcript NM_004629.2 (MANE Select); coding-DNA positions 1171 to 1174, 4 bases deleted (CCCT; older notation c.1171_1174delCCCT).
Protein change: p.Pro391fs; shifts the reading frame from proline 391.
Molecular consequence: frameshift variant.
Genome position (GRCh38, 1-based): chr9:35,075,724-35,075,727, AGGG deleted on the plus strand (CCCT on the coding strand, the reverse complement: FANCG is on the minus strand). VCF-style (leftmost placement, unchanged base first): chr9-35075723-CAGGG-C. GRCh37 (hg19) VCF-style: chr9-35075720-CAGGG-C.
Other names: c.1171_1174delCCCT, p.Pro391Valfs (NM_004629.1); short protein forms P391fs.
Identifiers: ClinVar variation 4815364 (VCV004815364.1).

ClinVar aggregate classification (germline): Likely pathogenic (1 of 4 stars; one submission).

Conditions:
Fanconi anemia complementation group G. Also called: FANCG-Related Fanconi Anemia; Fanconi anemia group G. Identifiers: Orphanet 84, MedGen C3469527, MONDO:0013565, OMIM 614082.

Submission:

Natera, Inc.
Classification: Likely pathogenic for Fanconi anemia group G. Last evaluated: 2024-10-24. Review status: criteria provided, single submitter. Criteria: Natera Variant Classification Schema (03/2026). Collection method: clinical testing. Allele origin: germline.
Comment: The c.1171_1174del variant in FANCG is a frameshift variant predicted to shift the reading frame beginning at codon 391 and leads to a stop codon 11 codons downstream. This variant is expected to result in nonsense mediated decay, truncation, or a dysfunctional protein product. This variant is rare in the general population with a frequency below the threshold expected for the associated phenotype(s). Given the available evidence, this variant is classified as Likely Pathogenic.